The following is an entry in ClinVar:

ClinVar aggregate classification (germline): Likely benign (1 of 4 stars; one submission).

Allele frequency attached by ClinVar (database versions not stated): gnomAD 0.00009; TOPMed 0.00009; gnomAD exomes 0.00011; ExAC 0.00013.
gnomAD v4.1: 129 of 1,206,325 alleles (0.011%); highest among the groups gnomAD compares: Middle Eastern, 0.069%; 1 homozygote.

Submission:

CeGaT Center for Human Genetics Tuebingen
Classification: Likely benign. Last evaluated: 2022-07-01. Review status: criteria provided, single submitter. Criteria: CeGaT Center For Human Genetics Tuebingen Variant Classification Criteria Version 2. Collection method: clinical testing. Allele origin: germline. Affected: yes. Observed: 1 variant allele.
Comment: MAGEC3: BP4, BP7

NM_138702.1(MAGEC3):c.1239G>A (p.Gln413=)

Gene: MAGEC3 (MAGE family member C3; plus strand). Cytogenetic location: Xq27.2.
Variant type: single nucleotide variant.
Coding change: c.1239G>A on transcript NM_138702.1 (MANE Select); coding-DNA position 1239, G replaced by A.
Protein change: p.Gln413=; no amino-acid change (glutamine 413 retained).
Molecular consequence: synonymous variant.
Genome position (GRCh38, 1-based): chrX:141,896,997, G>A. VCF-style: chrX-141896997-G-A. GRCh37 (hg19) VCF-style: chrX-140984783-G-A.
Other names: c.345G>A, p.Gln115= (NM_177456.2).
Identifiers: ClinVar variation 2661553 (VCV002661553.24), dbSNP rs766800463, ClinGen allele CA10532837.